The following is an entry in ClinVar:

ClinVar aggregate classification (germline): Likely benign. Review status: criteria provided, single submitter (1 of 4 stars). 2 submissions from 2 submitters: Likely benign (1). 1 of the submissions does not count toward it. Last evaluated 2020-06-02.

Conditions:
BHLHA9-related disorder. Also called: BHLHA9-related condition.

Allele frequency attached by ClinVar (database versions not stated): TOPMed 0.00001; gnomAD exomes 0.00003.
gnomAD v4.1: 29 of 1,238,564 alleles (0.0023%); highest among the groups gnomAD compares: South Asian, 0.0033%; no homozygotes.

Submissions (2):

Blueprint Genetics
Classification: Likely benign. Last evaluated: 2020-06-02. Review status: criteria provided, single submitter. Criteria: ACMG Guidelines, 2015. Collection method: clinical testing. Allele origin: germline.

PreventionGenetics, part of Exact Sciences
Classification: Likely benign for BHLHA9-related condition. Last evaluated: 2023-05-03. Review status: no assertion criteria provided. Collection method: clinical testing. Allele origin: germline. Not counted in ClinVar's aggregate classification.
Comment: This variant is classified as likely benign based on ACMG/AMP sequence variant interpretation guidelines (Richards et al. 2015 PMID: 25741868, with internal and published modifications).

NM_001164405.2(BHLHA9):c.408C>T (p.Cys136=)

Gene: BHLHA9 (basic helix-loop-helix family member a9; plus strand). Cytogenetic location: 17p13.3.
Variant type: single nucleotide variant.
Coding change: c.408C>T on transcript NM_001164405.2 (MANE Select); coding-DNA position 408, C replaced by T.
Protein change: p.Cys136=; no amino-acid change (cysteine 136 retained).
Molecular consequence: synonymous variant.
Genome position (GRCh38, 1-based): chr17:1,270,971, C>T. VCF-style: chr17-1270971-C-T. GRCh37 (hg19) VCF-style: chr17-1174265-C-T.
Identifiers: ClinVar variation 3031978 (VCV003031978.3), dbSNP rs1236657811, ClinGen allele CA497386324.